The following is an entry in ClinVar:

NM_139321.3(ATRN):c.1599T>A (p.Asp533Glu)

Gene: ATRN (attractin; plus strand). Cytogenetic location: 20p13.
Variant type: single nucleotide variant.
Coding change: c.1599T>A on transcript NM_139321.3 (MANE Select); coding-DNA position 1599, T replaced by A.
Protein change: p.Asp533Glu; replaces aspartic acid 533 with glutamic acid.
Molecular consequence: missense variant.
Genome position (GRCh38, 1-based): chr20:3,562,427, T>A. VCF-style: chr20-3562427-T-A. GRCh37 (hg19) VCF-style: chr20-3543074-T-A.
Other names: c.1251T>A, p.Asp417Glu (NM_001207047.3); c.1599T>A, p.Asp533Glu (NM_001323332.2, NM_139322.4); short protein forms D533E, D417E.
Identifiers: ClinVar variation 1925151 (VCV001925151.5), dbSNP rs963474947, ClinGen allele CA310701519.

ClinVar aggregate classification (germline): Uncertain significance (1 of 4 stars; one submission).

Allele frequency attached by ClinVar (database versions not stated): gnomAD 0.00002.
gnomAD v4.1: 16 of 1,614,060 alleles (0.00099%); highest among the groups gnomAD compares: African/African-American, 0.0013%; no homozygotes.

Submission:

Labcorp Genetics (formerly Invitae), Labcorp
Classification: Uncertain significance. Last evaluated: 2024-03-02. Review status: criteria provided, single submitter. Criteria: Invitae Variant Classification Sherloc (09022015). Collection method: clinical testing. Allele origin: germline.
Comment: This sequence change replaces aspartic acid, which is acidic and polar, with glutamic acid, which is acidic and polar, at codon 533 of the ATRN protein (p.Asp533Glu). This variant is present in population databases (no rsID available, gnomAD 0.007%). This variant has not been reported in the literature in individuals affected with ATRN-related conditions. ClinVar contains an entry for this variant (Variation ID: 1925151). An algorithm developed to predict the effect of missense changes on protein structure and function (PolyPhen-2) suggests that this variant is likely to be disruptive. In summary, the available evidence is currently insufficient to determine the role of this variant in disease. Therefore, it has been classified as a Variant of Uncertain Significance.